The following is an entry in ClinVar:

ClinVar aggregate classification (germline): Uncertain significance (1 of 4 stars; one submission).

Conditions:
Hereditary spastic paraplegia 11. Also called: SPASTIC PARAPLEGIA, AUTOSOMAL RECESSIVE, COMPLICATED, WITH THIN CORPUS CALLOSUM; SPASTIC PARAPLEGIA, AUTOSOMAL RECESSIVE, WITH MENTAL IMPAIRMENT AND THIN CORPUS CALLOSUM; Nakamura Osame syndrome; Autosomal recessive hereditary spastic paraplegia, mental impairment, and thin corpus callosum; Spastic paraplegia, mental retardation and thin corpus callosum; Spastic Paraplegia 11. Identifiers: Orphanet 2822, MedGen C1858479, MONDO:0011445, OMIM 604360.

Allele frequency attached by ClinVar (database versions not stated): gnomAD 0.00001; gnomAD exomes 0.00001 and 0.00002; TOPMed 0.00001; ExAC 0.00004.
gnomAD v4.1: 13 of 1,613,544 alleles (0.00081%); highest among the groups gnomAD compares: Non-Finnish European, 0.0011%; no homozygotes.

Submission:

Labcorp Genetics (formerly Invitae), Labcorp
Classification: Uncertain significance for Hereditary spastic paraplegia 11. Last evaluated: 2022-07-07. Review status: criteria provided, single submitter. Criteria: Invitae Variant Classification Sherloc (09022015). Collection method: clinical testing. Allele origin: germline.
Comment: This sequence change replaces threonine, which is neutral and polar, with serine, which is neutral and polar, at codon 644 of the SPG11 protein (p.Thr644Ser). This variant is present in population databases (rs776451921, gnomAD 0.005%). This missense change has been observed in individual(s) with amyotrophic lateral sclerosis (PMID: 23881933). ClinVar contains an entry for this variant (Variation ID: 1413377). Algorithms developed to predict the effect of missense changes on protein structure and function are either unavailable or do not agree on the potential impact of this missense change (SIFT: "Tolerated"; PolyPhen-2: "Probably Damaging"; Align-GVGD: "Class C0"). In summary, the available evidence is currently insufficient to determine the role of this variant in disease. Therefore, it has been classified as a Variant of Uncertain Significance.

Literature cited by the submitters: PubMed 23881933.

NM_025137.4(SPG11):c.1930A>T (p.Thr644Ser)

Gene: SPG11 (SPG11 vesicle trafficking associated, spatacsin; minus strand). Cytogenetic location: 15q21.1.
Variant type: single nucleotide variant.
Coding change: c.1930A>T on transcript NM_025137.4 (MANE Select); coding-DNA position 1930, A replaced by T.
Protein change: p.Thr644Ser; replaces threonine 644 with serine.
Molecular consequence: missense variant.
Genome position (GRCh38, 1-based): chr15:44,628,806, T>A on the plus strand (A>T on the coding strand, the complement: SPG11 is on the minus strand). VCF-style: chr15-44628806-T-A. GRCh37 (hg19) VCF-style: chr15-44921004-T-A.
Other names: c.1930A>T, p.Thr644Ser (NM_001160227.2); short protein forms T644S.
Identifiers: ClinVar variation 1413377 (VCV001413377.5), dbSNP rs776451921, ClinGen allele CA7535388.